The following is an entry in ClinVar:

ClinVar aggregate classification (germline): Conflicting classifications of pathogenicity. Review status: criteria provided, conflicting classifications (1 of 4 stars). 3 submissions from 3 submitters: Uncertain significance (2); Likely benign (1). Last evaluated 2026-09-09.

Conditions:
UNC45A-related disorder. Also called: UNC45A-related condition.
Inborn genetic diseases. Identifiers: MedGen C0950123, MeSH D030342.

Allele frequency attached by ClinVar (database versions not stated): ESP Exome Variant Server 0.00023.
gnomAD v4.1: 738 of 1,613,496 alleles (0.046%); highest among the groups gnomAD compares: Non-Finnish European, 0.048%; 2 homozygotes.

Submissions (3):

PreventionGenetics, part of Exact Sciences
Classification: Likely benign for UNC45A-related condition. Last evaluated: 2026-09-09. Review status: criteria provided, single submitter. Criteria: ACMG Guidelines, 2015. Collection method: clinical testing. Allele origin: germline.
Comment: This variant is classified as likely benign based on ACMG/AMP sequence variant interpretation guidelines (Richards et al. 2015 PMID: 25741868, with internal and published modifications).

Ambry Genetics
Classification: Uncertain significance for Inborn genetic diseases. Last evaluated: 2024-05-15. Review status: criteria provided, single submitter. Criteria: Ambry Variant Classification Scheme 2023. Collection method: clinical testing. Allele origin: germline.

Labcorp Genetics (formerly Invitae), Labcorp
Classification: Uncertain significance. Last evaluated: 2022-07-25. Review status: criteria provided, single submitter. Criteria: Invitae Variant Classification Sherloc (09022015). Collection method: clinical testing. Allele origin: germline.
Comment: This sequence change replaces glycine, which is neutral and non-polar, with cysteine, which is neutral and slightly polar, at codon 437 of the UNC45A protein (p.Gly437Cys). This variant is present in population databases (rs146513919, gnomAD 0.1%), and has an allele count higher than expected for a pathogenic variant. This variant has not been reported in the literature in individuals affected with UNC45A-related conditions. ClinVar contains an entry for this variant (Variation ID: 1506711). Experimental studies and prediction algorithms are not available or were not evaluated, and the functional significance of this variant is currently unknown. In summary, the available evidence is currently insufficient to determine the role of this variant in disease. Therefore, it has been classified as a Variant of Uncertain Significance.

NM_018671.5(UNC45A):c.1309G>T (p.Gly437Cys)

Gene: UNC45A (unc-45 myosin chaperone A; plus strand). Cytogenetic location: 15q26.1.
Variant type: single nucleotide variant.
Coding change: c.1309G>T on transcript NM_018671.5 (MANE Select); coding-DNA position 1309, G replaced by T.
Protein change: p.Gly437Cys; replaces glycine 437 with cysteine.
Molecular consequence: missense variant.
Genome position (GRCh38, 1-based): chr15:90,946,723, G>T. VCF-style: chr15-90946723-G-T. GRCh37 (hg19) VCF-style: chr15-91489953-G-T.
Other names: c.1309G>T (NM_018671.3); c.1264G>T, p.Gly422Cys (NM_001039675.2, NM_001323621.2); c.1309G>T, p.Gly437Cys (NM_001323619.1); c.874G>T, p.Gly292Cys (NM_001323620.2); short protein forms G422C, G437C, G292C.
Identifiers: ClinVar variation 1506711 (VCV001506711.5), dbSNP rs146513919, ClinGen allele CA7742863.